The following is an entry in ClinVar:

NM_001257293.2(HNRNPH1):c.1117+19G>A

Genes: HNRNPH1 (heterogeneous nuclear ribonucleoprotein H1; minus strand), LOC128966623 (uncharacterized LOC128966623; plus strand). Cytogenetic location: 5q35.3.
Variant type: single nucleotide variant.
Coding change: c.1117+19G>A on transcript NM_001257293.2 (MANE Select); 19 bases into the intron after coding-DNA position 1117, G replaced by A.
Molecular consequence: intron variant. On other transcripts: missense variant (9).
Genome position (GRCh38, 1-based): chr5:179,617,032, C>T on the plus strand (G>A on the coding strand, the complement: HNRNPH1 is on the minus strand). VCF-style: chr5-179617032-C-T. GRCh37 (hg19) VCF-style: chr5-179044033-C-T.
Other names: p.Gly379Asp; c.1136G>A, p.Gly379Asp (NM_001363572.2, NM_001364230.2, NM_001364232.2 and 3 more transcripts); c.1115G>A, p.Gly372Asp (NM_001364240.2, NM_001364248.2); c.818G>A, p.Gly273Asp (NM_001395192.1); c.1117+19G>A (NM_001364233.2, NM_001364225.2, NM_001364235.2 and 16 more transcripts); c.706+19G>A (NM_001395193.1); c.514+19G>A (NM_001364253.2, NM_001395194.1, NM_001395195.1 and 4 more transcripts); c.1096+19G>A (NM_001364241.2, NM_001395180.1, NM_001364242.2 and 3 more transcripts); and 6 more; short protein forms G273D, G372D, G379D.
Identifiers: ClinVar variation 2504619 (VCV002504619.2), dbSNP rs2532618408, ClinGen allele CA362462912.

ClinVar aggregate classification (germline): Uncertain significance (1 of 4 stars; one submission).

Conditions:
Neurodevelopmental disorder with craniofacial dysmorphism and skeletal defects (NEDCDS). Identifiers: Orphanet 662207, MedGen C5774235, MONDO:0859301, OMIM 620083.

Submission:

Foundation for Research in Genetics and Endocrinology, FRIGE's Institute of Human Genetics
Classification: Uncertain significance for Neurodevelopmental disorder with craniofacial dysmorphism and skeletal defects. Last evaluated: 2023-06-10. Review status: criteria provided, single submitter. Criteria: ACMG Guidelines, 2015. Collection method: clinical testing. Allele origin: germline. Inheritance: Autosomal dominant inheritance. Affected: yes. Observed: 1 heterozygote.
Comment: A heterozygous missense variant in exon 9 of the HNRNPH1 gene that results in the amino acid substitution of Aspartic acid for Glycine at codon 379 (p.Gly379Asp) was detected. This variant has not been reported in the 1000 genomes, gnomAD (v3.1), gnomdAD (v2) and topmed databases respectively. The in silico predictions of the variant are benign by PolyPhen-2 (HumDiv), SIFT, LRT and Mutation Taster2. The reference codon is conserved across species. In summary, the variant meets our criteria to be classified as a variant of uncertain significance.